The following is an entry in ClinVar:

ClinVar aggregate classification (germline): Uncertain significance. Review status: criteria provided, multiple submitters, no conflicts (2 of 4 stars). 2 submissions from 2 submitters: Uncertain significance (2). Last evaluated 2024-07-15.

Conditions:
Joubert syndrome. Also called: Familial aplasia of the vermis; JOUBERT-BOLTSHAUSER SYNDROME. Identifiers: Orphanet 475, MedGen C5979921, MONDO:0018772.

Allele frequency attached by ClinVar (database versions not stated): TOPMed below 0.00001; ExAC 0.00001; gnomAD 0.00001; gnomAD exomes 0.00002.
gnomAD v4.1: 52 of 1,613,790 alleles (0.0032%); highest among the groups gnomAD compares: East Asian, 0.049%; no homozygotes.

Submissions (2):

Blueprint Genetics
Classification: Uncertain significance. Last evaluated: 2024-07-15. Review status: criteria provided, single submitter. Criteria: ACMG Guidelines, 2015. Collection method: clinical testing. Allele origin: germline.

Labcorp Genetics (formerly Invitae), Labcorp
Classification: Uncertain significance for Joubert syndrome. Last evaluated: 2022-07-19. Review status: criteria provided, single submitter. Criteria: Invitae Variant Classification Sherloc (09022015). Collection method: clinical testing. Allele origin: germline.
Comment: This sequence change replaces serine, which is neutral and polar, with leucine, which is neutral and non-polar, at codon 623 of the INPP5E protein (p.Ser623Leu). This variant is present in population databases (rs754887212, gnomAD 0.01%). This variant has not been reported in the literature in individuals affected with INPP5E-related conditions. ClinVar contains an entry for this variant (Variation ID: 1024075). Advanced modeling of protein sequence and biophysical properties (such as structural, functional, and spatial information, amino acid conservation, physicochemical variation, residue mobility, and thermodynamic stability) performed at Invitae indicates that this missense variant is expected to disrupt INPP5E protein function. In summary, the available evidence is currently insufficient to determine the role of this variant in disease. Therefore, it has been classified as a Variant of Uncertain Significance.

NM_019892.6(INPP5E):c.1868C>T (p.Ser623Leu)

Gene: INPP5E (inositol polyphosphate-5-phosphatase E; minus strand). Cytogenetic location: 9q34.3.
Variant type: single nucleotide variant.
Coding change: c.1868C>T on transcript NM_019892.6 (MANE Select); coding-DNA position 1868, C replaced by T.
Protein change: p.Ser623Leu; replaces serine 623 with leucine.
Molecular consequence: missense variant.
Genome position (GRCh38, 1-based): chr9:136,429,742, G>A on the plus strand (C>T on the coding strand, the complement: INPP5E is on the minus strand). VCF-style: chr9-136429742-G-A. GRCh37 (hg19) VCF-style: chr9-139324194-G-A.
Other names: c.1865C>T, p.Ser622Leu (NM_001318502.2); short protein forms S622L, S623L.
Identifiers: ClinVar variation 1024075 (VCV001024075.5), dbSNP rs754887212, ClinGen allele CA5336631.